The following is an entry in ClinVar:

NM_001267550.2(TTN):c.86953G>C (p.Gly28985Arg)

Genes: TTN (titin; minus strand), TTN-AS1 (TTN antisense RNA 1; plus strand). Cytogenetic location: 2q31.2.
Variant type: single nucleotide variant.
Coding change: c.86953G>C on transcript NM_001267550.2 (MANE Select); coding-DNA position 86953, G replaced by C.
Protein change: p.Gly28985Arg; replaces glycine 28985 with arginine.
Molecular consequence: missense variant.
Genome position (GRCh38, 1-based): chr2:178,558,506, C>G on the plus strand (G>C on the coding strand, the complement: TTN is on the minus strand). VCF-style: chr2-178558506-C-G. GRCh37 (hg19) VCF-style: chr2-179423233-C-G.
Other names: c.82030G>C, p.Gly27344Arg (NM_001256850.1); c.59758G>C, p.Gly19920Arg (NM_003319.4); c.79249G>C, p.Gly26417Arg (NM_133378.4); c.60133G>C, p.Gly20045Arg (NM_133432.3); c.60334G>C, p.Gly20112Arg (NM_133437.4); short protein forms G20045R, G19920R, G28985R, G20112R, G27344R, G26417R.
Identifiers: ClinVar variation 4993048 (VCV004993048.1).

ClinVar aggregate classification (germline): Uncertain significance (1 of 4 stars; one submission).

Conditions:
TTN-related disorder. Also called: TTN-related disorders; TTN-related condition; TTN-related disease.

gnomAD v4.1: 1 of 1,613,744 alleles (0.000062%); highest among the groups gnomAD compares: African/African-American, 0.0013%; no homozygotes.

Submission:

PreventionGenetics, part of Exact Sciences
Classification: Uncertain significance for TTN-related condition. Last evaluated: 2025-10-16. Review status: criteria provided, single submitter. Criteria: ACMG Guidelines, 2015. Collection method: clinical testing. Allele origin: germline.
Comment: The TTN c.86953G>C variant is predicted to result in the amino acid substitution p.Gly28985Arg. To our knowledge, this variant has not been reported in the literature. This variant is reported in 0.011% of alleles in individuals of African descent in gnomAD. At this time, the clinical significance of this variant is uncertain due to the absence of conclusive functional and genetic evidence.